The following is an entry in ClinVar:

NM_001349338.3(FOXP1):c.1026A>T (p.Arg342Ser)

Gene: FOXP1 (forkhead box P1; minus strand). Cytogenetic location: 3p13.
Variant type: single nucleotide variant.
Coding change: c.1026A>T on transcript NM_001349338.3 (MANE Select); coding-DNA position 1026, A replaced by T.
Protein change: p.Arg342Ser; replaces arginine 342 with serine.
Molecular consequence: missense variant.
Genome position (GRCh38, 1-based): chr3:71,001,008, T>A on the plus strand (A>T on the coding strand, the complement: FOXP1 is on the minus strand). VCF-style: chr3-71001008-T-A. GRCh37 (hg19) VCF-style: chr3-71050159-T-A.
Other names: c.1026A>T, p.Arg342Ser (NM_001244808.3, NM_001244810.2, NM_001244814.3 and 3 more transcripts); c.798A>T, p.Arg266Ser (NM_001244812.3); c.726A>T, p.Arg242Ser (NM_001244813.3, NM_001244815.2, NM_001349342.3 and 1 more transcripts); c.723A>T, p.Arg241Ser (NM_001349337.2, NM_001349343.3, NM_001349344.3); c.1023A>T, p.Arg341Ser (NM_001349341.3); short protein forms R241S, R242S, R266S, R341S, R342S.
Identifiers: ClinVar variation 3362144 (VCV003362144.1).
Genomic context (GRCh38, chr3:71,001,008, plus strand): 5'-TATTAAAAATAAATGTGGTTTTACCTGTAGCTCTAACTGCTGTACAACCTGCATTTGTAC[T>A]CTACATTGGGCTGTACTTCTATCGTCCAGCGCATGCTCACTGTTGAGATGTCTGCAACAA-3'
Protein context (NP_001336267.1, residues 332-352): ALDDRSTAQC[Arg342Ser]VQMQVVQQLE

ClinVar aggregate classification (germline): Uncertain significance (1 of 4 stars; one submission).

Submission:

GeneDx
Classification: Uncertain significance. Last evaluated: 2023-05-25. Review status: criteria provided, single submitter. Criteria: GeneDx Variant Classification Process June 2021. Collection method: clinical testing. Allele origin: germline. Affected: yes.
Comment: Not observed at significant frequency in large population cohorts (gnomAD); In silico analysis supports that this missense variant has a deleterious effect on protein structure/function; Has not been previously published as pathogenic or benign to our knowledge